The following is an entry in ClinVar:

NM_001843.4(CNTN1):c.1292G>A (p.Arg431Lys)

Gene: CNTN1 (contactin 1; plus strand). Cytogenetic location: 12q12.
Variant type: single nucleotide variant.
Coding change: c.1292G>A on transcript NM_001843.4 (MANE Select); coding-DNA position 1292, G replaced by A.
Protein change: p.Arg431Lys; replaces arginine 431 with lysine.
Molecular consequence: missense variant.
Genome position (GRCh38, 1-based): chr12:40,939,398, G>A. VCF-style: chr12-40939398-G-A. GRCh37 (hg19) VCF-style: chr12-41333200-G-A.
Other names: c.1292G>A, p.Arg431Lys (NM_001256063.2, NM_001256064.2); c.1259G>A, p.Arg420Lys (NM_175038.2); short protein forms R420K, R431K.
Identifiers: ClinVar variation 1054990 (VCV001054990.10), dbSNP rs756198153, ClinGen allele CA6516831.

ClinVar aggregate classification (germline): Uncertain significance (1 of 4 stars; one submission).

Conditions:
Compton-North congenital myopathy (CMYO12). Identifiers: Orphanet 210163, MedGen C2675527, MONDO:0012929, OMIM 612540.

Allele frequency attached by ClinVar (database versions not stated): gnomAD exomes below 0.00001; ExAC 0.00001.
gnomAD v4.1: 2 of 1,613,942 alleles (0.00012%); highest among the groups gnomAD compares: Non-Finnish European, 0.00017%; no homozygotes.

Submission:

Labcorp Genetics (formerly Invitae), Labcorp
Classification: Uncertain significance for Compton-North congenital myopathy. Last evaluated: 2022-08-23. Review status: criteria provided, single submitter. Criteria: Invitae Variant Classification Sherloc (09022015). Collection method: clinical testing. Allele origin: germline.
Comment: This sequence change replaces arginine, which is basic and polar, with lysine, which is basic and polar, at codon 431 of the CNTN1 protein (p.Arg431Lys). This variant is present in population databases (rs756198153, gnomAD 0.0009%). This variant has not been reported in the literature in individuals affected with CNTN1-related conditions. ClinVar contains an entry for this variant (Variation ID: 1054990). Advanced modeling of protein sequence and biophysical properties (such as structural, functional, and spatial information, amino acid conservation, physicochemical variation, residue mobility, and thermodynamic stability) performed at Invitae indicates that this missense variant is not expected to disrupt CNTN1 protein function. In summary, the available evidence is currently insufficient to determine the role of this variant in disease. Therefore, it has been classified as a Variant of Uncertain Significance.